The following is an entry in ClinVar:

NM_000135.4(FANCA):c.874C>A (p.His292Asn)

Gene: FANCA (FA complementation group A; minus strand). Cytogenetic location: 16q24.3.
Variant type: single nucleotide variant.
Coding change: c.874C>A on transcript NM_000135.4 (MANE Select); coding-DNA position 874, C replaced by A.
Protein change: p.His292Asn; replaces histidine 292 with asparagine.
Molecular consequence: missense variant.
Genome position (GRCh38, 1-based): chr16:89,799,185, G>T on the plus strand (C>A on the coding strand, the complement: FANCA is on the minus strand). VCF-style: chr16-89799185-G-T. GRCh37 (hg19) VCF-style: chr16-89865593-G-T.
Other names: c.874C>A, p.His292Asn (NM_001018112.3, NM_001286167.3); c.778C>A, p.His260Asn (NM_001351830.2); short protein forms H260N, H292N.
Identifiers: ClinVar variation 3512658 (VCV003512658.1).

ClinVar aggregate classification (germline): Uncertain significance (1 of 4 stars; one submission).

Conditions:
Inborn genetic diseases. Identifiers: MedGen C0950123, MeSH D030342.

Submission:

Ambry Genetics
Classification: Uncertain significance for Inborn genetic diseases. Last evaluated: 2024-11-23. Review status: criteria provided, single submitter. Criteria: Ambry Variant Classification Scheme 2023. Collection method: clinical testing. Allele origin: germline.
Comment: The p.H292N variant (also known as c.874C>A), located in coding exon 10 of the FANCA gene, results from a C to A substitution at nucleotide position 874. The histidine at codon 292 is replaced by asparagine, an amino acid with similar properties. This amino acid position is conserved. In addition, this alteration is predicted to be tolerated by in silico analysis. Based on the available evidence, the clinical significance of this variant remains unclear.